The following is an entry in ClinVar:

ClinVar aggregate classification (germline): Uncertain significance (1 of 4 stars; one submission).

gnomAD v4.1: 8 of 1,612,702 alleles (0.0005%); highest among the groups gnomAD compares: East Asian, 0.013%; no homozygotes.

Submission:

Labcorp Genetics (formerly Invitae), Labcorp
Classification: Uncertain significance. Last evaluated: 2025-06-29. Review status: criteria provided, single submitter. Criteria: Invitae Variant Classification Sherloc (09022015). Collection method: clinical testing. Allele origin: germline.
Comment: This sequence change replaces threonine, which is neutral and polar, with alanine, which is neutral and non-polar, at codon 574 of the CDH2 protein (p.Thr574Ala). This variant is present in population databases (rs762302781, gnomAD 0.03%). This variant has not been reported in the literature in individuals affected with CDH2-related conditions. An algorithm developed to predict the effect of missense changes on protein structure and function (PolyPhen-2) suggests that this variant is likely to be tolerated. In summary, the available evidence is currently insufficient to determine the role of this variant in disease. Therefore, it has been classified as a Variant of Uncertain Significance.

NM_001792.5(CDH2):c.1720A>G (p.Thr574Ala)

Gene: CDH2 (cadherin 2; minus strand). Cytogenetic location: 18q12.1.
Variant type: single nucleotide variant.
Coding change: c.1720A>G on transcript NM_001792.5 (MANE Select); coding-DNA position 1720, A replaced by G.
Protein change: p.Thr574Ala; replaces threonine 574 with alanine.
Molecular consequence: missense variant.
Genome position (GRCh38, 1-based): chr18:27,988,545, T>C on the plus strand (A>G on the coding strand, the complement: CDH2 is on the minus strand). VCF-style: chr18-27988545-T-C. GRCh37 (hg19) VCF-style: chr18-25568509-T-C.
Other names: c.1627A>G, p.Thr543Ala (NM_001308176.2); short protein forms T574A, T543A.
Identifiers: ClinVar variation 4762687 (VCV004762687.1).